The following is an entry in ClinVar:

ClinVar aggregate classification (germline): Uncertain significance (1 of 4 stars; one submission).

Submission:

GeneDx
Classification: Uncertain significance. Last evaluated: 2024-01-25. Review status: criteria provided, single submitter. Criteria: GeneDx Variant Classification Process June 2021. Collection method: clinical testing. Allele origin: germline. Affected: yes.
Comment: Not observed at significant frequency in large population cohorts (gnomAD); In silico analysis supports that this variant does not alter splicing; Has not been previously published as pathogenic or benign to our knowledge

NM_000141.5(FGFR2):c.1562-8_1562-6dup

Gene: FGFR2 (fibroblast growth factor receptor 2; minus strand). Cytogenetic location: 10q26.13.
Variant type: Duplication.
Coding change: c.1562-8_1562-6dup on transcript NM_000141.5 (MANE Select); 8 bases into the intron before coding-DNA position 1562 through 6 bases into the intron before coding-DNA position 1562, 3 bases duplicated (GTT; older notation c.1562-8_1562-6dupGTT).
Molecular consequence: intron variant.
Genome position (GRCh38, 1-based): chr10:121,498,611-121,498,613, AAC duplicated on the plus strand (GTT on the coding strand, the reverse complement: FGFR2 is on the minus strand); duplicating any 3 consecutive bases within chr10:121,498,611-121,498,614 gives the same sequence; the c. name uses the placement nearest the transcript's 3' end. VCF-style (leftmost placement, unchanged base first): chr10-121498610-G-GAAC. GRCh37 (hg19) VCF-style: chr10-123258124-G-GAAC.
Other names: c.1226-8_1226-6dup (NM_001144914.1); c.1211-8_1211-6dup (NM_001144918.2, NM_001441091.1); c.1217-8_1217-6dup (NM_001441090.1, NM_001144916.2); c.1289-8_1289-6dup (NM_001441089.1); c.1295-8_1295-6dup (NM_023029.3, NM_001144915.2); c.1292-8_1292-6dup (NM_001441088.1); c.1214-8_1214-6dup (NM_001144917.2); c.1556-8_1556-6dup (NM_001320658.2); and 4 more.
Identifiers: ClinVar variation 3368397 (VCV003368397.1).